The following is an entry in ClinVar:

ClinVar aggregate classification (germline): Uncertain significance (1 of 4 stars; one submission).

Submission:

Labcorp Genetics (formerly Invitae), Labcorp
Classification: Uncertain significance. Last evaluated: 2022-07-19. Review status: criteria provided, single submitter. Criteria: Invitae Variant Classification Sherloc (09022015). Collection method: clinical testing. Allele origin: germline.
Comment: In summary, the available evidence is currently insufficient to determine the role of this variant in disease. Therefore, it has been classified as a Variant of Uncertain Significance. Algorithms developed to predict the effect of sequence changes on RNA splicing suggest that this variant may disrupt the consensus splice site. This variant has not been reported in the literature in individuals affected with COL11A1-related conditions. This variant is not present in population databases (gnomAD no frequency). This variant, c.3274_3276del, results in the deletion of 1 amino acid(s) of the COL11A1 protein (p.Pro1092del), but otherwise preserves the integrity of the reading frame.

NM_001854.4(COL11A1):c.3274_3276del (p.Pro1092del)

Gene: COL11A1 (collagen type XI alpha 1 chain; minus strand). Cytogenetic location: 1p21.1.
Variant type: Deletion.
Coding change: c.3274_3276del on transcript NM_001854.4 (MANE Select); coding-DNA positions 3274 to 3276, 3 bases deleted (CCT; older notation c.3274_3276delCCT).
Protein change: p.Pro1092del; deletes proline 1092.
Molecular consequence: inframe deletion. On other transcripts: inframe indel (1), non-coding transcript variant (1).
Genome position (GRCh38, 1-based): chr1:102,946,849-102,946,851, AGG deleted on the plus strand (CCT on the coding strand, the reverse complement: COL11A1 is on the minus strand); deleting any 3 consecutive bases within chr1:102,946,849-102,946,853 gives the same sequence; the c. name uses the placement nearest the transcript's 3' end. VCF-style (leftmost placement, unchanged base first): chr1-102946848-CAGG-C. GRCh37 (hg19) VCF-style: chr1-103412404-CAGG-C.
Other names: c.2924_2926delCTC, p.Pro976del (NM_001168249.1); c.3157_3159del, p.Pro1053del (NM_001190709.2); c.3310_3312del, p.Pro1104del (NM_080629.3); c.2926_2928del, p.Pro976del (NM_080630.4); short protein forms P1053del, P1104del, P976del, P1092del.
Identifiers: ClinVar variation 2053584 (VCV002053584.4), dbSNP rs2524790788, ClinGen allele CA2580060707.
Genomic context (GRCh38, chr1:102,946,848, plus strand): 5'-TAAAAAGTAATAACGTGTACAGGGTAGCAGCATAATATATTTTCTCCTAGACATTACTTA[CAGG>C]AGCACCTTTCTCTCCAGCTGGACCAGGAGGACCCTGAGGTCCCGGGCGCCCTGGTAAACC-3'